The following is an entry in ClinVar:

NM_024548.4(CEP97):c.550G>A (p.Asp184Asn)

Gene: CEP97 (centrosomal protein 97; plus strand). Cytogenetic location: 3q12.3.
Variant type: single nucleotide variant.
Coding change: c.550G>A on transcript NM_024548.4 (MANE Select); coding-DNA position 550, G replaced by A.
Protein change: p.Asp184Asn; replaces aspartic acid 184 with asparagine.
Molecular consequence: missense variant.
Genome position (GRCh38, 1-based): chr3:101,731,942, G>A. VCF-style: chr3-101731942-G-A. GRCh37 (hg19) VCF-style: chr3-101450786-G-A.
Other names: c.550G>A, p.Asp184Asn (NM_001303401.2); c.448G>A, p.Asp150Asn (NM_001410784.1, NM_001410785.1); short protein forms D184N, D150N.
Identifiers: ClinVar variation 2031808 (VCV002031808.4), dbSNP rs2545823375, ClinGen allele CA353886382.

ClinVar aggregate classification (germline): Uncertain significance (1 of 4 stars; one submission).

Allele frequency attached by ClinVar (database versions not stated): gnomAD exomes below 0.00001.
gnomAD v4.1: 2 of 1,581,382 alleles (0.00013%); highest among the groups gnomAD compares: Non-Finnish European, 0.00017%; no homozygotes.

Submission:

Labcorp Genetics (formerly Invitae), Labcorp
Classification: Uncertain significance. Last evaluated: 2022-10-02. Review status: criteria provided, single submitter. Criteria: Invitae Variant Classification Sherloc (09022015). Collection method: clinical testing. Allele origin: germline.
Comment: In summary, the available evidence is currently insufficient to determine the role of this variant in disease. Therefore, it has been classified as a Variant of Uncertain Significance. Advanced modeling of protein sequence and biophysical properties (such as structural, functional, and spatial information, amino acid conservation, physicochemical variation, residue mobility, and thermodynamic stability) performed at Invitae indicates that this missense variant is expected to disrupt CEP97 protein function. This variant has not been reported in the literature in individuals affected with CEP97-related conditions. This variant is not present in population databases (gnomAD no frequency). This sequence change replaces aspartic acid, which is acidic and polar, with asparagine, which is neutral and polar, at codon 184 of the CEP97 protein (p.Asp184Asn).